The following is an entry in ClinVar:

ClinVar aggregate classification (germline): Uncertain significance. Review status: criteria provided, multiple submitters, no conflicts (2 of 4 stars). 3 submissions from 3 submitters: Uncertain significance (2). 1 of the submissions does not count toward it. Last evaluated 2025-09-02.

Conditions:
Inborn genetic diseases. Identifiers: MedGen C0950123, MeSH D030342.
MYO18B-related disorder. Also called: MYO18B-related condition.

Allele frequency attached by ClinVar (database versions not stated): gnomAD exomes 0.00004 and 0.00005; ExAC 0.00008; ESP Exome Variant Server 0.00008; TOPMed 0.00016; gnomAD 0.00021 and 0.00026.
gnomAD v4.1: 115 of 1,614,004 alleles (0.0071%); highest among the groups gnomAD compares: African/African-American, 0.11%; 1 homozygote.

Submissions (3):

Labcorp Genetics (formerly Invitae), Labcorp
Classification: Uncertain significance. Last evaluated: 2025-09-02. Review status: criteria provided, single submitter. Criteria: Invitae Variant Classification Sherloc (09022015). Collection method: clinical testing. Allele origin: germline.
Comment: This sequence change replaces lysine, which is basic and polar, with glutamic acid, which is acidic and polar, at codon 2364 of the MYO18B protein (p.Lys2364Glu). This variant is present in population databases (rs368893983, gnomAD 0.06%). This variant has not been reported in the literature in individuals affected with MYO18B-related conditions. ClinVar contains an entry for this variant (Variation ID: 1366575). An algorithm developed to predict the effect of missense changes on protein structure and function (PolyPhen-2) suggests that this variant is likely to be tolerated. In summary, the available evidence is currently insufficient to determine the role of this variant in disease. Therefore, it has been classified as a Variant of Uncertain Significance.

Ambry Genetics
Classification: Uncertain significance for Inborn genetic diseases. Last evaluated: 2021-07-21. Review status: criteria provided, single submitter. Criteria: Ambry Variant Classification Scheme 2023. Collection method: clinical testing. Allele origin: germline.

PreventionGenetics, part of Exact Sciences
Classification: Uncertain significance for MYO18B-related condition. Last evaluated: 2024-09-13. Review status: no assertion criteria provided. Collection method: clinical testing. Allele origin: germline. Not counted in ClinVar's aggregate classification.
Comment: The MYO18B c.7090A>G variant is predicted to result in the amino acid substitution p.Lys2364Glu. To our knowledge, this variant has not been reported in the literature. This variant is reported in 0.058% of alleles in individuals of African descent in gnomAD. Although we suspect that this variant may be benign, at this time, the clinical significance of this variant is uncertain due to the absence of conclusive functional and genetic evidence.

NM_032608.7(MYO18B):c.7090A>G (p.Lys2364Glu)

Gene: MYO18B (myosin XVIIIB; plus strand). Cytogenetic location: 22q12.1.
Variant type: single nucleotide variant.
Coding change: c.7090A>G on transcript NM_032608.7 (MANE Select); coding-DNA position 7090, A replaced by G.
Protein change: p.Lys2364Glu; replaces lysine 2364 with glutamic acid.
Molecular consequence: missense variant.
Genome position (GRCh38, 1-based): chr22:26,027,064, A>G. VCF-style: chr22-26027064-A-G. GRCh37 (hg19) VCF-style: chr22-26423030-A-G.
Other names: c.7093A>G, p.Lys2365Glu (NM_001318245.2); c.7090A>G (NM_032608.5, NM_032608.6); short protein forms K2364E, K2365E.
Identifiers: ClinVar variation 1366575 (VCV001366575.9), dbSNP rs368893983, ClinGen allele CA10161685.